The following is an entry in ClinVar:

NM_001164508.2(NEB):c.19533G>T (p.Glu6511Asp)

Genes: NEB (nebulin; minus strand), LOC126806373 (BRD4-independent group 4 enhancer GRCh37_chr2:152410007-152411206; plus strand). Cytogenetic location: 2q23.3.
Variant type: single nucleotide variant.
Coding change: c.19533G>T on transcript NM_001164508.2 (MANE Select); coding-DNA position 19533, G replaced by T.
Protein change: p.Glu6511Asp; replaces glutamic acid 6511 with aspartic acid.
Molecular consequence: missense variant.
Genome position (GRCh38, 1-based): chr2:151,553,921, C>A on the plus strand (G>T on the coding strand, the complement: NEB is on the minus strand). VCF-style: chr2-151553921-C-A. GRCh37 (hg19) VCF-style: chr2-152410435-C-A.
Other names: c.19533G>T, p.Glu6511Asp (NM_001164507.2, NM_001271208.2); c.14430G>T, p.Glu4810Asp (NM_004543.5); c.14430G>T (NM_004543.4); short protein forms E4810D, E6511D.
Identifiers: ClinVar variation 3369989 (VCV003369989.2).
Genomic context (GRCh38, chr2:151,553,921, plus strand): 5'-ATCATTGACTTGCAAGTCGGGGTGGCAAATCCATTCGTGGAGGCGCAGGCGGTAATCAAT[C>A]TCACTGACTTTCTTCTGGGAATCCTTGGCAGTAACCATCTCTACCATGTCGGGCACGATG-3'
Protein context (NP_001157980.2, residues 6501-6521): TAKDSQKKVS[Glu6511Asp]IDYRLRLHEW

ClinVar aggregate classification (germline): Uncertain significance. Review status: criteria provided, multiple submitters, no conflicts (2 of 4 stars). 2 submissions from 2 submitters: Uncertain significance (2). Last evaluated 2026-03-23.

Conditions:
Inborn genetic diseases. Identifiers: MedGen C0950123, MeSH D030342.

gnomAD v4.1: 12 of 1,613,828 alleles (0.00074%); highest among the groups gnomAD compares: Non-Finnish European, 0.001%; no homozygotes.

Submissions (2):

Ambry Genetics
Classification: Uncertain significance for Inborn genetic diseases. Last evaluated: 2026-03-23. Review status: criteria provided, single submitter. Criteria: Ambry Variant Classification Scheme 2023. Collection method: clinical testing. Allele origin: germline.

GeneDx
Classification: Uncertain significance. Last evaluated: 2023-12-22. Review status: criteria provided, single submitter. Criteria: GeneDx Variant Classification Process June 2021. Collection method: clinical testing. Allele origin: germline. Affected: yes.
Comment: Not observed at significant frequency in large population cohorts (gnomAD); In silico analysis supports that this missense variant does not alter protein structure/function; Has not been previously published as pathogenic or benign to our knowledge